The following is an entry in ClinVar:

ClinVar aggregate classification (germline): Uncertain significance (1 of 4 stars; one submission).

gnomAD v4.1: 9 of 1,614,126 alleles (0.00056%); highest among the groups gnomAD compares: African/African-American, 0.011%; no homozygotes.

Submission:

Labcorp Genetics (formerly Invitae), Labcorp
Classification: Uncertain significance. Last evaluated: 2025-12-14. Review status: criteria provided, single submitter. Criteria: Invitae Variant Classification Sherloc (09022015). Collection method: clinical testing. Allele origin: germline.
Comment: This sequence change replaces phenylalanine, which is neutral and non-polar, with valine, which is neutral and non-polar, at codon 719 of the CSF2RB protein (p.Phe719Val). This variant is present in population databases (rs747957802, gnomAD 0.007%). This variant has not been reported in the literature in individuals affected with CSF2RB-related conditions. Invitae Evidence Modeling of protein sequence and biophysical properties (such as structural, functional, and spatial information, amino acid conservation, physicochemical variation, residue mobility, and thermodynamic stability) indicates that this missense variant is not expected to disrupt CSF2RB protein function with a negative predictive value of 80%. In summary, the available evidence is currently insufficient to determine the role of this variant in disease. Therefore, it has been classified as a Variant of Uncertain Significance.

NM_000395.3(CSF2RB):c.2155T>G (p.Phe719Val)

Gene: CSF2RB (colony stimulating factor 2 receptor subunit beta; plus strand). Cytogenetic location: 22q12.3.
Variant type: single nucleotide variant.
Coding change: c.2155T>G on transcript NM_000395.3 (MANE Select); coding-DNA position 2155, T replaced by G.
Protein change: p.Phe719Val; replaces phenylalanine 719 with valine.
Molecular consequence: missense variant.
Genome position (GRCh38, 1-based): chr22:36,937,963, T>G. VCF-style: chr22-36937963-T-G. GRCh37 (hg19) VCF-style: chr22-37334005-T-G.
Other names: c.2173T>G, p.Phe725Val (NM_001410827.1); short protein forms F719V, F725V.
Identifiers: ClinVar variation 4769029 (VCV004769029.1).
Genomic context (GRCh38, chr22:36,937,963, plus strand): 5'-TCTGGGGACACTGAGGACCCTGGAGTGGCCTCTGGTTATGTCTCCTCTGCAGACCTGGTA[T>G]TCACCCCAAACTCAGGGGCCTCGTCTGTCTCCCTAGTTCCCTCTCTGGGCCTCCCCTCAG-3'
Protein context (NP_000386.1, residues 709-729): SGYVSSADLV[Phe719Val]TPNSGASSVS